The following is an entry in ClinVar:

NM_021620.4(PRDM13):c.1801C>T (p.Leu601Phe)

Gene: PRDM13 (PR/SET domain 13; plus strand). Cytogenetic location: 6q16.2.
Variant type: single nucleotide variant.
Coding change: c.1801C>T on transcript NM_021620.4 (MANE Select); coding-DNA position 1801, C replaced by T.
Protein change: p.Leu601Phe; replaces leucine 601 with phenylalanine.
Molecular consequence: missense variant.
Genome position (GRCh38, 1-based): chr6:99,614,436, C>T. VCF-style: chr6-99614436-C-T. GRCh37 (hg19) VCF-style: chr6-100062312-C-T.
Other names: short protein forms L601F.
Identifiers: ClinVar variation 4702725 (VCV004702725.1).

ClinVar aggregate classification (germline): Uncertain significance (1 of 4 stars; one submission).

gnomAD v4.1: 19 of 1,613,530 alleles (0.0012%); highest among the groups gnomAD compares: East Asian, 0.0022%; no homozygotes.

Submission:

Labcorp Genetics (formerly Invitae), Labcorp
Classification: Uncertain significance. Last evaluated: 2025-07-13. Review status: criteria provided, single submitter. Criteria: Invitae Variant Classification Sherloc (09022015). Collection method: clinical testing. Allele origin: germline.
Comment: This sequence change replaces leucine, which is neutral and non-polar, with phenylalanine, which is neutral and non-polar, at codon 601 of the PRDM13 protein (p.Leu601Phe). This variant is present in population databases (rs368196704, gnomAD 0.004%). This variant has not been reported in the literature in individuals affected with PRDM13-related conditions. An algorithm developed to predict the effect of missense changes on protein structure and function (PolyPhen-2) suggests that this variant is likely to be disruptive. In summary, the available evidence is currently insufficient to determine the role of this variant in disease. Therefore, it has been classified as a Variant of Uncertain Significance.